The following is an entry in ClinVar:

ClinVar aggregate classification (germline): Benign/Likely benign. Review status: criteria provided, multiple submitters, no conflicts (2 of 4 stars). 3 submissions from 3 submitters: Benign (1); Likely benign (2). Last evaluated 2025-06-27.

Conditions:
Hereditary cancer-predisposing syndrome. Also called: Tumor predisposition; Hereditary neoplastic syndrome; Neoplastic Syndromes, Hereditary; Hereditary Cancer Syndrome. Identifiers: Orphanet 140162, MedGen C0027672, MeSH D009386, MONDO:0015356.
Colorectal cancer, susceptibility to, 12 (CRCS12). Also called: COLORECTAL CANCER, SUSCEPTIBILITY TO, ON CHROMOSOME 12q24. Identifiers: Orphanet 220460, MedGen C3554460, MONDO:0014038, OMIM 615083.

Submissions (3):

Labcorp Genetics (formerly Invitae), Labcorp
Classification: Likely benign. Last evaluated: 2025-06-27. Review status: criteria provided, single submitter. Criteria: Invitae Variant Classification Sherloc (09022015). Collection method: clinical testing. Allele origin: germline.

Myriad Genetics, Inc.
Classification: Benign for Colorectal cancer, susceptibility to, 12. Last evaluated: 2025-02-10. Review status: criteria provided, single submitter. Criteria: Myriad Autosomal Dominant, Autosomal Recessive and X-Linked Classification Criteria (2023). Collection method: clinical testing. Allele origin: unknown.
Comment: This variant is considered benign. This variant is a silent/synonymous amino acid change and it is not expected to impact splicing.

Ambry Genetics
Classification: Likely benign for Hereditary cancer-predisposing syndrome. Last evaluated: 2019-09-20. Review status: criteria provided, single submitter. Criteria: Ambry Variant Classification Scheme 2023. Collection method: clinical testing. Allele origin: germline.

NM_006231.4(POLE):c.1317A>G (p.Leu439=)

Gene: POLE (DNA polymerase epsilon, catalytic subunit; minus strand). Cytogenetic location: 12q24.33.
Variant type: single nucleotide variant.
Coding change: c.1317A>G on transcript NM_006231.4 (MANE Select); coding-DNA position 1317, A replaced by G.
Protein change: p.Leu439=; no amino-acid change (leucine 439 retained).
Molecular consequence: synonymous variant.
Genome position (GRCh38, 1-based): chr12:132,673,617, T>C on the plus strand (A>G on the coding strand, the complement: POLE is on the minus strand). VCF-style: chr12-132673617-T-C. GRCh37 (hg19) VCF-style: chr12-133250203-T-C.
Identifiers: ClinVar variation 818897 (VCV000818897.14), dbSNP rs1593073180, ClinGen allele CA482722780.
Genomic context (GRCh38, chr12:132,673,617, plus strand): 5'-GGGATGTGGCTTACGTGCCTGGGGCTGCTCCGTGGCCATCCGGCACATGTCCTCCGGGTC[T>C]AGCTCCACGGGATCATAGCCTAGCTTGGCCTTGGCGGCCGCCTTGAGATTATGACTGCCC-3'
Protein context (NP_006222.2, residues 429-449): KAKLGYDPVE[Leu439=]DPEDMCRMAT